The following is an entry in ClinVar:

ClinVar aggregate classification (germline): Conflicting classifications of pathogenicity. Review status: criteria provided, conflicting classifications (1 of 4 stars). 3 submissions from 3 submitters: Uncertain significance (2); Benign (1). Last evaluated 2025-06-04.

Conditions:
Amyotrophic lateral sclerosis type 4 (ALS4). Also called: NEURONOPATHY, DISTAL HEREDITARY MOTOR, WITH PYRAMIDAL FEATURES; AMYOTROPHIC LATERAL SCLEROSIS 4, JUVENILE. Identifiers: Orphanet 357043, MedGen C1865409, MONDO:0011223, OMIM 602433.
Spinocerebellar ataxia, autosomal recessive, with axonal neuropathy 2 (SCAN2). Also called: Ataxia with Oculomotor Apraxia Type 2; Ataxia-ocular apraxia-2; ATAXIA-OCULOMOTOR APRAXIA 2; Ataxia with Oculomotor Apraxia. Identifiers: Orphanet 64753, MedGen C1853761, MONDO:0018996, OMIM 606002.
Inborn genetic diseases. Identifiers: MedGen C0950123, MeSH D030342.

Allele frequency attached by ClinVar (database versions not stated): gnomAD exomes 0.00001; gnomAD 0.00004; ExAC 0.00005; 1000 Genomes Project 30x 0.00016; 1000 Genomes Project 0.00020.
gnomAD v4.1: 25 of 1,613,870 alleles (0.0015%); highest among the groups gnomAD compares: Middle Eastern, 0.033%; no homozygotes.

Submissions (3):

Labcorp Genetics (formerly Invitae), Labcorp
Classification: Benign for Amyotrophic lateral sclerosis type 4; Spinocerebellar ataxia, autosomal recessive, with axonal neuropathy 2. Last evaluated: 2025-06-04. Review status: criteria provided, single submitter. Criteria: Invitae Variant Classification Sherloc (09022015). Collection method: clinical testing. Allele origin: germline.

CeGaT Center for Human Genetics Tuebingen
Classification: Uncertain significance. Last evaluated: 2024-11-01. Review status: criteria provided, single submitter. Criteria: CeGaT Center For Human Genetics Tuebingen Variant Classification Criteria Version 2. Collection method: clinical testing. Allele origin: germline. Affected: yes. Observed: 1 variant allele.
Comment: SETX: PM2, BP4

Ambry Genetics
Classification: Uncertain significance for Inborn genetic diseases. Last evaluated: 2021-03-30. Review status: criteria provided, single submitter. Criteria: Ambry Variant Classification Scheme 2023. Collection method: clinical testing. Allele origin: germline.
Comment: The p.N1054T variant (also known as c.3161A>C), located in coding exon 8 of the SETX gene, results from an A to C substitution at nucleotide position 3161. The asparagine at codon 1054 is replaced by threonine, an amino acid with similar properties. This amino acid position is not well conserved in available vertebrate species, and threonine is the reference amino acid in other vertebrate species. In addition, this alteration is predicted to be tolerated by in silico analysis. Since supporting evidence is limited at this time, the clinical significance of this alteration remains unclear.

NM_015046.7(SETX):c.3161A>C (p.Asn1054Thr)

Gene: SETX (senataxin; minus strand). Cytogenetic location: 9q34.13.
Variant type: single nucleotide variant.
Coding change: c.3161A>C on transcript NM_015046.7 (MANE Select); coding-DNA position 3161, A replaced by C.
Protein change: p.Asn1054Thr; replaces asparagine 1054 with threonine.
Molecular consequence: missense variant.
Genome position (GRCh38, 1-based): chr9:132,328,437, T>G on the plus strand (A>C on the coding strand, the complement: SETX is on the minus strand). VCF-style: chr9-132328437-T-G. GRCh37 (hg19) VCF-style: chr9-135203824-T-G.
Other names: c.3161A>C, p.Asn1054Thr (NM_001351527.2, NM_001351528.2); short protein forms N1054T.
Identifiers: ClinVar variation 1728310 (VCV001728310.21), dbSNP rs547184795, ClinGen allele CA5297462.